The following is an entry in ClinVar:

NM_001009944.3(PKD1):c.7553G>A (p.Arg2518His)

Gene: PKD1 (polycystin 1, transient receptor potential channel interacting; minus strand). Cytogenetic location: 16p13.3.
Variant type: single nucleotide variant.
Coding change: c.7553G>A on transcript NM_001009944.3 (MANE Select); coding-DNA position 7553, G replaced by A.
Protein change: p.Arg2518His; replaces arginine 2518 with histidine.
Molecular consequence: missense variant.
Genome position (GRCh38, 1-based): chr16:2,106,241, C>T on the plus strand (G>A on the coding strand, the complement: PKD1 is on the minus strand). VCF-style: chr16-2106241-C-T. GRCh37 (hg19) VCF-style: chr16-2156242-C-T.
Other names: c.7553G>A, p.Arg2518His (NM_000296.4); c.7553G>A (NM_000296.3); short protein forms R2518H.
Identifiers: ClinVar variation 1312100 (VCV001312100.5), dbSNP rs781066020, ClinGen allele CA7831035.
Genomic context (GRCh38, chr16:2,106,241, plus strand): 5'-ACGGCTCCGTAGCTGGAGAGGCTGCCCTTGTAGACACAGAACTCCTCGCAGTGGCCCTGG[C>T]GACAGCGCCGCAGCAGCAGGGCGTACACCAGCGGGGCGCCAGCATCCTCCGCGTCATGCC-3'
Protein context (NP_001009944.3, residues 2508-2528): LVYALLLRRC[Arg2518His]QGHCEEFCVY

ClinVar aggregate classification (germline): Uncertain significance. Review status: criteria provided, multiple submitters, no conflicts (2 of 4 stars). 4 submissions from 4 submitters: Uncertain significance (3). 1 of the submissions does not count toward it. Last evaluated 2024-11-08.

Conditions:
PKD1-related disorder. Also called: PKD1-related condition.
Inborn genetic diseases. Identifiers: MedGen C0950123, MeSH D030342.
Polycystic kidney disease, adult type (PKD1). Also called: Polycystic Kidney Disease 1, Autosomal Dominant; Polycystic kidney disease 1; Polycystic kidney disease 1, severe; POLYCYSTIC KIDNEY DISEASE 1 WITH OR WITHOUT POLYCYSTIC LIVER DISEASE; POLYCYSTIC KIDNEY DISEASE, ADULT, TYPE I; Polycystic Kidney, Autosomal Dominant. Identifiers: MedGen C3149841, MONDO:0008263, OMIM 173900.

Allele frequency attached by ClinVar (database versions not stated): TOPMed 0.00002.
gnomAD v4.1: 37 of 1,610,038 alleles (0.0023%); highest among the groups gnomAD compares: Admixed American, 0.012%; no homozygotes.

Submissions (4):

Ambry Genetics
Classification: Uncertain significance for Inborn genetic diseases. Last evaluated: 2024-11-08. Review status: criteria provided, single submitter. Criteria: Ambry Variant Classification Scheme 2023. Collection method: clinical testing. Allele origin: germline.

Fulgent Genetics
Classification: Uncertain significance for Polycystic kidney disease, adult type. Last evaluated: 2022-03-31. Review status: criteria provided, single submitter. Criteria: ACMG Guidelines, 2015. Collection method: clinical testing. Allele origin: unknown.

GeneDx
Classification: Uncertain significance. Last evaluated: 2020-04-14. Review status: criteria provided, single submitter. Criteria: GeneDx Variant Classification Process June 2021. Collection method: clinical testing. Allele origin: germline. Affected: yes.
Comment: In silico analysis supports that this missense variant does not alter protein structure/function; Has not been previously published as pathogenic or benign to our knowledge

PreventionGenetics, part of Exact Sciences
Classification: Uncertain significance for PKD1-related condition. Last evaluated: 2024-04-03. Review status: no assertion criteria provided. Collection method: clinical testing. Allele origin: germline. Not counted in ClinVar's aggregate classification.
Comment: The PKD1 c.7553G>A variant is predicted to result in the amino acid substitution p.Arg2518His. To our knowledge, this variant has not been reported in the literature. This variant is reported in 0.017% of alleles in individuals of Latino descent in gnomAD. At this time, the clinical significance of this variant is uncertain due to the absence of conclusive functional and genetic evidence.